The following is an entry in ClinVar:

NM_016151.4(TAOK2):c.2092G>T (p.Val698Leu)

Gene: TAOK2 (TAO kinase 2; plus strand). Cytogenetic location: 16p11.2.
Variant type: single nucleotide variant.
Coding change: c.2092G>T on transcript NM_016151.4 (MANE Select); coding-DNA position 2092, G replaced by T.
Protein change: p.Val698Leu; replaces valine 698 with leucine.
Molecular consequence: missense variant.
Genome position (GRCh38, 1-based): chr16:29,986,364, G>T. VCF-style: chr16-29986364-G-T. GRCh37 (hg19) VCF-style: chr16-29997685-G-T.
Other names: c.2092G>T, p.Val698Leu (NM_001252043.2, NM_004783.4); short protein forms V698L.
Identifiers: ClinVar variation 3615380 (VCV003615380.2).

ClinVar aggregate classification (germline): Uncertain significance (1 of 4 stars; one submission).

gnomAD v4.1: 25 of 1,603,214 alleles (0.0016%); highest among the groups gnomAD compares: South Asian, 0.026%; 1 homozygote.

Submission:

Labcorp Genetics (formerly Invitae), Labcorp
Classification: Uncertain significance. Last evaluated: 2024-12-08. Review status: criteria provided, single submitter. Criteria: Invitae Variant Classification Sherloc (09022015). Collection method: clinical testing. Allele origin: germline.
Comment: This sequence change replaces valine, which is neutral and non-polar, with leucine, which is neutral and non-polar, at codon 698 of the TAOK2 protein (p.Val698Leu). This variant is present in population databases (rs541201834, gnomAD 0.03%). This variant has not been reported in the literature in individuals affected with TAOK2-related conditions. An algorithm developed to predict the effect of missense changes on protein structure and function (PolyPhen-2) suggests that this variant is likely to be tolerated. In summary, the available evidence is currently insufficient to determine the role of this variant in disease. Therefore, it has been classified as a Variant of Uncertain Significance.